The following is an entry in ClinVar:

ClinVar aggregate classification (germline): Benign/Likely benign. Review status: criteria provided, multiple submitters, no conflicts (2 of 4 stars). 4 submissions from 4 submitters: Benign (2); Likely benign (2). Last evaluated 2026-01-26.

Conditions:
TIMP3-related disorder. Also called: TIMP3-related condition.
Sorsby fundus dystrophy (SFD). Also called: Sorsby fundus dystrophy, Lavia type; MACULAR DYSTROPHY, HEMORRHAGIC; FUNDUS DYSTROPHY, PSEUDOINFLAMMATORY, OF SORSBY. Identifiers: Orphanet 59181, MedGen C1850938, MONDO:0007640, OMIM 136900.

Allele frequency attached by ClinVar (database versions not stated): ESP Exome Variant Server 0.00015; gnomAD exomes 0.00020 and 0.00029; gnomAD 0.00021; TOPMed 0.00021; ExAC 0.00028.
gnomAD v4.1: 338 of 1,613,940 alleles (0.021%); highest among the groups gnomAD compares: Middle Eastern, 0.049%; no homozygotes.

Submissions (4):

Labcorp Genetics (formerly Invitae), Labcorp
Classification: Benign. Last evaluated: 2026-01-26. Review status: criteria provided, single submitter. Criteria: Invitae Variant Classification Sherloc (09022015). Collection method: clinical testing. Allele origin: germline.

PreventionGenetics, part of Exact Sciences
Classification: Likely benign for TIMP3-related condition. Last evaluated: 2024-12-23. Review status: criteria provided, single submitter. Criteria: ACMG Guidelines, 2015. Collection method: clinical testing. Allele origin: germline.
Comment: This variant is classified as likely benign based on ACMG/AMP sequence variant interpretation guidelines (Richards et al. 2015 PMID: 25741868, with internal and published modifications).

Blueprint Genetics
Classification: Likely benign. Last evaluated: 2024-08-21. Review status: criteria provided, single submitter. Criteria: ACMG Guidelines, 2015. Collection method: clinical testing. Allele origin: germline.

Illumina Laboratory Services, Illumina
Classification: Benign for Sorsby fundus dystrophy. Last evaluated: 2018-01-12. Review status: criteria provided, single submitter. Criteria: ICSL Variant Classification Criteria 13 December 2019. Collection method: clinical testing. Allele origin: germline.
Comment: This variant was observed in the ICSL laboratory as part of a predisposition screen in an ostensibly healthy population. It had not been previously curated by ICSL or reported in the Human Gene Mutation Database (HGMD: prior to June 1st, 2018), and was therefore a candidate for classification through an automated scoring system. Utilizing variant allele frequency, disease prevalence and penetrance estimates, and inheritance mode, an automated score was calculated to assess if this variant is too frequent to cause the disease. Based on the score and internal cut-off values, a variant classified as benign is not then subjected to further curation. The score for this variant resulted in a classification of benign for this disease.

NM_000362.5(TIMP3):c.289G>A (p.Val97Ile)

Genes: SYN3 (synapsin III; minus strand), TIMP3 (TIMP metallopeptidase inhibitor 3; plus strand). Cytogenetic location: 22q12.3.
Variant type: single nucleotide variant.
Coding change: c.289G>A on transcript NM_000362.5 (MANE Select); coding-DNA position 289, G replaced by A.
Protein change: p.Val97Ile; replaces valine 97 with isoleucine.
Molecular consequence: missense variant. On other transcripts: intron variant (7).
Genome position (GRCh38, 1-based): chr22:32,857,333, G>A. VCF-style: chr22-32857333-G-A. GRCh37 (hg19) VCF-style: chr22-33253320-G-A.
Other names: c.708+7582C>T (NM_001369909.1, NM_001135774.2, NM_001369910.1); c.711+7582C>T (NM_001369907.1, NM_003490.4, NM_001369908.1 and 1 more transcripts); short protein forms V97I.
Identifiers: ClinVar variation 341344 (VCV000341344.15), dbSNP rs201819465, ClinGen allele CA10202216.
Genomic context (GRCh38, chr22:32,857,333, plus strand): 5'-CCCCATGTGCAGTACATCCATACGGAAGCTTCCGAGAGTCTCTGTGGCCTTAAGCTGGAG[G>A]TCAACAAGTACCAGTACCTGCTGACAGGTAATGGCCAACTCTAGCTTCTAGGCCAGGGTT-3'
Protein context (NP_000353.1, residues 87-107): SESLCGLKLE[Val97Ile]NKYQYLLTGR